The following is an entry in ClinVar:

ClinVar aggregate classification (germline): Benign/Likely benign. Review status: criteria provided, multiple submitters, no conflicts (2 of 4 stars). 3 submissions from 3 submitters: Benign (2); Likely benign (1). Last evaluated 2026-01-17.

Conditions:
Epiphyseal dysplasia, multiple, 2 (EDM2). Also called: COL9A2-Related Multiple Epiphyseal Dysplasia. Identifiers: MedGen C1838429, MONDO:0010844, OMIM 600204.

Allele frequency attached by ClinVar (database versions not stated): gnomAD exomes 0.00029; ExAC 0.00033; gnomAD 0.00089 and 0.00095; TOPMed 0.00091; ESP Exome Variant Server 0.00123; 1000 Genomes Project 0.00160; 1000 Genomes Project 30x 0.00203.
gnomAD v4.1: 271 of 1,614,162 alleles (0.017%); highest among the groups gnomAD compares: African/African-American, 0.33%; 2 homozygotes.

Submissions (3):

Labcorp Genetics (formerly Invitae), Labcorp
Classification: Benign. Last evaluated: 2026-01-17. Review status: criteria provided, single submitter. Criteria: Invitae Variant Classification Sherloc (09022015). Collection method: clinical testing. Allele origin: germline.

Blueprint Genetics
Classification: Likely benign. Last evaluated: 2024-07-10. Review status: criteria provided, single submitter. Criteria: ACMG Guidelines, 2015. Collection method: clinical testing. Allele origin: germline.

Illumina Laboratory Services, Illumina
Classification: Benign for Epiphyseal dysplasia, multiple, 2. Last evaluated: 2018-01-13. Review status: criteria provided, single submitter. Criteria: ICSL Variant Classification Criteria 13 December 2019. Collection method: clinical testing. Allele origin: germline.
Comment: This variant was observed in the ICSL laboratory as part of a predisposition screen in an ostensibly healthy population. It had not been previously curated by ICSL or reported in the Human Gene Mutation Database (HGMD: prior to June 1st, 2018), and was therefore a candidate for classification through an automated scoring system. Utilizing variant allele frequency, disease prevalence and penetrance estimates, and inheritance mode, an automated score was calculated to assess if this variant is too frequent to cause the disease. Based on the score and internal cut-off values, a variant classified as benign is not then subjected to further curation. The score for this variant resulted in a classification of benign for this disease.

NM_001852.4(COL9A2):c.1009-12T>G

Gene: COL9A2 (collagen type IX alpha 2 chain; minus strand). Cytogenetic location: 1p34.2.
Variant type: single nucleotide variant.
Coding change: c.1009-12T>G on transcript NM_001852.4 (MANE Select); 12 bases into the intron before coding-DNA position 1009, T replaced by G.
Molecular consequence: intron variant.
Genome position (GRCh38, 1-based): chr1:40,306,199, A>C on the plus strand (T>G on the coding strand, the complement: COL9A2 is on the minus strand). VCF-style: chr1-40306199-A-C. GRCh37 (hg19) VCF-style: chr1-40771871-A-C.
Identifiers: ClinVar variation 876358 (VCV000876358.15), dbSNP rs200570244, ClinGen allele CA791629.